The following is an entry in ClinVar:

NM_024675.4(PALB2):c.674dup (p.Thr226fs)

Gene: PALB2 (partner and localizer of BRCA2; minus strand). Cytogenetic location: 16p12.2.
Variant type: Duplication.
Coding change: c.674dup on transcript NM_024675.4 (MANE Select); coding-DNA position 674, one base duplicated (C; older notation c.674dupC).
Protein change: p.Thr226fs; shifts the reading frame from threonine 226.
Molecular consequence: frameshift variant.
Genome position (GRCh38, 1-based): chr16:23,635,872, G duplicated on the plus strand (C on the coding strand, the reverse complement: PALB2 is on the minus strand); the first of 2 consecutive G bases (chr16:23,635,872-23,635,873); duplicating either gives the same sequence. VCF-style (leftmost placement, unchanged base first): chr16-23635871-T-TG. GRCh37 (hg19) VCF-style: chr16-23647192-T-TG.
Other names: short protein forms T226fs.
Identifiers: ClinVar variation 858006 (VCV000858006.9), dbSNP rs1967030083, ClinGen allele CA916081824.

ClinVar aggregate classification (germline): Pathogenic. Review status: criteria provided, multiple submitters, no conflicts (2 of 4 stars). 2 submissions from 2 submitters: Pathogenic (2). Last evaluated 2023-09-06.

Conditions:
Familial cancer of breast. Also called: hereditary breast carcinoma; BREAST CANCER, FAMILIAL; Hereditary breast cancer. Identifiers: Orphanet 227535, MedGen C0346153, MONDO:0016419, OMIM 114480. Disease mechanism: loss of function.

Submissions (2):

Myriad Genetics, Inc.
Classification: Pathogenic for Familial cancer of breast. Last evaluated: 2023-09-06. Review status: criteria provided, single submitter. Criteria: Myriad Autosomal Dominant, Autosomal Recessive and X-Linked Classification Criteria (2023). Collection method: clinical testing. Allele origin: unknown.
Comment: This variant is considered pathogenic. This variant creates a frameshift predicted to result in premature protein truncation.

Labcorp Genetics (formerly Invitae), Labcorp
Classification: Pathogenic for Familial cancer of breast. Last evaluated: 2019-05-10. Review status: criteria provided, single submitter. Criteria: Invitae Variant Classification Sherloc (09022015). Collection method: clinical testing. Allele origin: germline.
Comment: For these reasons, this variant has been classified as Pathogenic. Loss-of-function variants in PALB2 are known to be pathogenic (PMID: 17200668, 24136930, 25099575). This variant has not been reported in the literature in individuals with PALB2-related conditions. This variant is not present in population databases (ExAC no frequency). This sequence change creates a premature translational stop signal (p.Thr226Asnfs*9) in the PALB2 gene. It is expected to result in an absent or disrupted protein product.

Literature cited by the submitters: PubMed 17200668 (cited by Labcorp Genetics (formerly Invitae), Labcorp); PubMed 24136930 (cited by Labcorp Genetics (formerly Invitae), Labcorp); PubMed 25099575 (cited by Labcorp Genetics (formerly Invitae), Labcorp).